The following is an entry in ClinVar:

NM_138295.5(PKD1L1):c.4326T>C (p.His1442=)

Gene: PKD1L1 (polycystin 1 like 1, transient receptor potential channel interacting; minus strand). Cytogenetic location: 7p12.3.
Variant type: single nucleotide variant.
Coding change: c.4326T>C on transcript NM_138295.5 (MANE Select); coding-DNA position 4326, T replaced by C.
Protein change: p.His1442=; no amino-acid change (histidine 1442 retained).
Molecular consequence: synonymous variant.
Genome position (GRCh38, 1-based): chr7:47,858,709, A>G on the plus strand (T>C on the coding strand, the complement: PKD1L1 is on the minus strand). VCF-style: chr7-47858709-A-G. GRCh37 (hg19) VCF-style: chr7-47898307-A-G.
Identifiers: ClinVar variation 4990463 (VCV004990463.1).
Genomic context (GRCh38, chr7:47,858,709, plus strand): 5'-GGATGGAGAAAAAGTGTGACTTACCAACAATAAATCTGAGATGACTGTAATTCCTTCTTC[A>G]TGTCGATAGACTTCCTCCTTCGAGTTTTCTTGCTCAGAGACTTCCCAGACTCTGGATATG-3'
Protein context (NP_612152.1, residues 1432-1452): QENSKEEVYR[His1442=]EEGITVISDL

ClinVar aggregate classification (germline): Likely benign (1 of 4 stars; one submission).

Conditions:
PKD1L1-related disorder. Also called: PKD1L1-related condition.

gnomAD v4.1: 4 of 1,613,908 alleles (0.00025%); highest among the groups gnomAD compares: African/African-American, 0.0053%; no homozygotes.

Submission:

PreventionGenetics, part of Exact Sciences
Classification: Likely benign for PKD1L1-related condition. Last evaluated: 2025-03-17. Review status: criteria provided, single submitter. Criteria: ACMG Guidelines, 2015. Collection method: clinical testing. Allele origin: germline.
Comment: This variant is classified as likely benign based on ACMG/AMP sequence variant interpretation guidelines (Richards et al. 2015 PMID: 25741868, with internal and published modifications).